The following is an entry in ClinVar:

NM_001206927.2(DNAH8):c.10663-2A>G

Genes: DNAH8 (dynein axonemal heavy chain 8; plus strand), DNAH8-AS1 (DNAH8 antisense RNA 1; minus strand). Cytogenetic location: 6p21.2.
Variant type: single nucleotide variant.
Coding change: c.10663-2A>G on transcript NM_001206927.2 (MANE Select); the canonical splice acceptor site of the intron before coding-DNA position 10663, A replaced by G.
Molecular consequence: splice acceptor variant.
Genome position (GRCh38, 1-based): chr6:38,923,056, A>G. VCF-style: chr6-38923056-A-G. GRCh37 (hg19) VCF-style: chr6-38890832-A-G.
Other names: c.10012-2A>G (NM_001371.4).
Identifiers: ClinVar variation 2761115 (VCV002761115.3), dbSNP rs1216207042, ClinGen allele CA364011561.

ClinVar aggregate classification (germline): Likely pathogenic (1 of 4 stars; one submission).

Conditions:
Primary ciliary dyskinesia. Also called: Ciliary dyskinesia. Identifiers: Orphanet 244, MedGen C0008780, MONDO:0016575, HP:0012265.

Allele frequency attached by ClinVar (database versions not stated): gnomAD 0.00001.

Submission:

Labcorp Genetics (formerly Invitae), Labcorp
Classification: Likely pathogenic for Primary ciliary dyskinesia. Last evaluated: 2023-12-19. Review status: criteria provided, single submitter. Criteria: Invitae Variant Classification Sherloc (09022015). Collection method: clinical testing. Allele origin: germline.
Comment: This sequence change affects an acceptor splice site in intron 71 of the DNAH8 gene. It is expected to disrupt RNA splicing. Variants that disrupt the donor or acceptor splice site typically lead to a loss of protein function (PMID: 16199547), and loss-of-function variants in DNAH8 are known to be pathogenic (PMID: 24307375, 32619401, 32681648). This variant is not present in population databases (gnomAD no frequency). This variant has not been reported in the literature in individuals affected with DNAH8-related conditions. Algorithms developed to predict the effect of sequence changes on RNA splicing suggest that this variant may disrupt the consensus splice site. In summary, the currently available evidence indicates that the variant is pathogenic, but additional data are needed to prove that conclusively. Therefore, this variant has been classified as Likely Pathogenic.

Literature cited by the submitters: PubMed 16199547; PubMed 24307375; PubMed 32619401; PubMed 32681648.